The following is an entry in ClinVar:

ClinVar aggregate classification (germline): Uncertain significance. Review status: criteria provided, multiple submitters, no conflicts (2 of 4 stars). 3 submissions from 3 submitters: Uncertain significance (3). Last evaluated 2025-09-24.

Conditions:
Cardiovascular phenotype. Identifiers: MedGen CN230736.
Noonan syndrome 9 (NS9). Identifiers: Orphanet 648, MedGen C4225282, MONDO:0014691, OMIM 616559.

Allele frequency attached by ClinVar (database versions not stated): gnomAD exomes 0.00001.
gnomAD v4.1: 11 of 1,524,256 alleles (0.00072%); highest among the groups gnomAD compares: Non-Finnish European, 0.001%; no homozygotes.

Submissions (3):

Labcorp Genetics (formerly Invitae), Labcorp
Classification: Uncertain significance for Noonan syndrome 9. Last evaluated: 2025-09-24. Review status: criteria provided, single submitter. Criteria: Invitae Variant Classification Sherloc (09022015). Collection method: clinical testing. Allele origin: germline.
Comment: This sequence change replaces proline, which is neutral and non-polar, with threonine, which is neutral and polar, at codon 1022 of the SOS2 protein (p.Pro1022Thr). This variant is not present in population databases (gnomAD no frequency). This variant has not been reported in the literature in individuals affected with SOS2-related conditions. ClinVar contains an entry for this variant (Variation ID: 1414228). Invitae Evidence Modeling of protein sequence and biophysical properties (such as structural, functional, and spatial information, amino acid conservation, physicochemical variation, residue mobility, and thermodynamic stability) indicates that this missense variant is not expected to disrupt SOS2 protein function with a negative predictive value of 95%. In summary, the available evidence is currently insufficient to determine the role of this variant in disease. Therefore, it has been classified as a Variant of Uncertain Significance.

Ambry Genetics
Classification: Uncertain significance for Cardiovascular phenotype. Last evaluated: 2021-09-21. Review status: criteria provided, single submitter. Criteria: Ambry Variant Classification Scheme 2023. Collection method: clinical testing. Allele origin: germline.
Comment: The p.P1022T variant (also known as c.3064C>A), located in coding exon 19 of the SOS2 gene, results from a C to A substitution at nucleotide position 3064. The proline at codon 1022 is replaced by threonine, an amino acid with highly similar properties. This amino acid position is conserved. In addition, this alteration is predicted to be tolerated by in silico analysis. Since supporting evidence is limited at this time, the clinical significance of this alteration remains unclear.

Genome-Nilou Lab
Classification: Uncertain significance for Noonan syndrome 9. Review status: criteria provided, single submitter. Criteria: ACMG Guidelines, 2015. Collection method: clinical testing. Allele origin: germline.

NM_006939.4(SOS2):c.3064C>A (p.Pro1022Thr)

Gene: SOS2 (SOS Ras/Rho guanine nucleotide exchange factor 2; minus strand). Cytogenetic location: 14q21.3.
Variant type: single nucleotide variant.
Coding change: c.3064C>A on transcript NM_006939.4 (MANE Select); coding-DNA position 3064, C replaced by A.
Protein change: p.Pro1022Thr; replaces proline 1022 with threonine.
Molecular consequence: missense variant.
Genome position (GRCh38, 1-based): chr14:50,134,134, G>T on the plus strand (C>A on the coding strand, the complement: SOS2 is on the minus strand). VCF-style: chr14-50134134-G-T. GRCh37 (hg19) VCF-style: chr14-50600852-G-T.
Other names: short protein forms P1022T.
Identifiers: ClinVar variation 1414228 (VCV001414228.9), dbSNP rs2139528591, ClinGen allele CA389641515.